The following is an entry in ClinVar:

NM_015046.7(SETX):c.4045C>A (p.Gln1349Lys)

Gene: SETX (senataxin; minus strand). Cytogenetic location: 9q34.13.
Variant type: single nucleotide variant.
Coding change: c.4045C>A on transcript NM_015046.7 (MANE Select); coding-DNA position 4045, C replaced by A.
Protein change: p.Gln1349Lys; replaces glutamine 1349 with lysine.
Molecular consequence: missense variant.
Genome position (GRCh38, 1-based): chr9:132,327,553, G>T on the plus strand (C>A on the coding strand, the complement: SETX is on the minus strand). VCF-style: chr9-132327553-G-T. GRCh37 (hg19) VCF-style: chr9-135202940-G-T.
Other names: c.4045C>A, p.Gln1349Lys (NM_001351527.2, NM_001351528.2); short protein forms Q1349K.
Identifiers: ClinVar variation 3731477 (VCV003731477.1).

ClinVar aggregate classification (germline): Uncertain significance (1 of 4 stars; one submission).

Conditions:
Amyotrophic lateral sclerosis type 4 (ALS4). Also called: NEURONOPATHY, DISTAL HEREDITARY MOTOR, WITH PYRAMIDAL FEATURES; AMYOTROPHIC LATERAL SCLEROSIS 4, JUVENILE. Identifiers: Orphanet 357043, MedGen C1865409, MONDO:0011223, OMIM 602433.

gnomAD v4.1: 5 of 1,614,072 alleles (0.00031%); highest among the groups gnomAD compares: Non-Finnish European, 0.000085%; no homozygotes.

Submission:

Neuberg Centre For Genomic Medicine, NCGM
Classification: Uncertain significance for Amyotrophic lateral sclerosis type 4. Last evaluated: 2023-06-22. Review status: criteria provided, single submitter. Criteria: ACMG Guidelines, 2015. Collection method: clinical testing. Allele origin: germline. Inheritance: Autosomal dominant inheritance. Affected: yes.
Comment: The missense c.4045C>A (p.Gln1349Lys) variant in SETX gene has not been reported previously as a pathogenic variant nor as a benign variant, to our knowledge. The p.Gln1349Lys variant is present with allele frequency of 0.0008% in gnomAD Exomes. This variant has not been submitted to the ClinVar database. Multiple lines of computational evidence (Polyphen - Possibly Damaging, SIFT - Damaging and MutationTaster - Disease causing) predict a damaging effect on protein structure and function for this variant. The reference amino acid at this position on SETX is predicted as conserved by GERP++ and PhyloP across 100 vertebrates. TThe amino acid Gln at position 1349 is changed to a Lys changing protein sequence and it might alter its composition and physico-chemical properties. For these reasons, this variant has been classified as a Variant of Uncertain Significance (VUS).